The following is an entry in ClinVar:

NM_005529.7(HSPG2):c.2024G>A (p.Arg675Gln)

Gene: HSPG2 (heparan sulfate proteoglycan 2; minus strand). Cytogenetic location: 1p36.12.
Variant type: single nucleotide variant.
Coding change: c.2024G>A on transcript NM_005529.7 (MANE Select); coding-DNA position 2024, G replaced by A.
Protein change: p.Arg675Gln; replaces arginine 675 with glutamine.
Molecular consequence: missense variant.
Genome position (GRCh38, 1-based): chr1:21,880,534, C>T on the plus strand (G>A on the coding strand, the complement: HSPG2 is on the minus strand). VCF-style: chr1-21880534-C-T. GRCh37 (hg19) VCF-style: chr1-22207027-C-T.
Other names: c.2024G>A (NM_005529.5); c.2027G>A, p.Arg676Gln (NM_001291860.2); short protein forms R675Q, R676Q.
Identifiers: ClinVar variation 585985 (VCV000585985.39), dbSNP rs143119915, ClinGen allele CA673214.
Genomic context (GRCh38, chr1:21,880,534, plus strand): 5'-TGGATGAGCACGGCCTCCAGGCTCTGCAGCACCTGCAGCAGCTCCGCGCGCTGCACCGGC[C>T]GGCCAGACTCATGGACCCAGTGCTCCTGGGTATGGGTGAAGGTGGCAGGGGTCACACATC-3'
Protein context (NP_005520.4, residues 665-685): SEEHWVHESG[Arg675Gln]PVQRAELLQV

ClinVar aggregate classification (germline): Likely benign. Review status: criteria provided, multiple submitters, no conflicts (2 of 4 stars). 7 submissions from 7 submitters: Likely benign (6). 1 of the submissions does not count toward it. Last evaluated 2026-01-27.

Conditions:
HSPG2-related disorder. Also called: HSPG2-related disorders; HSPG2-related condition.
Inborn genetic diseases. Identifiers: MedGen C0950123, MeSH D030342.

Allele frequency attached by ClinVar (database versions not stated): gnomAD exomes 0.00018; ExAC 0.00046; 1000 Genomes Project 0.00180; ESP Exome Variant Server 0.00192; TOPMed 0.00198; 1000 Genomes Project 30x 0.00203; gnomAD 0.00207.
gnomAD v4.1: 526 of 1,613,602 alleles (0.033%); highest among the groups gnomAD compares: African/African-American, 0.61%; no homozygotes.

Submissions (7):

Labcorp Genetics (formerly Invitae), Labcorp
Classification: Likely benign. Last evaluated: 2026-01-27. Review status: criteria provided, single submitter. Criteria: Invitae Variant Classification Sherloc (09022015). Collection method: clinical testing. Allele origin: germline.

ARUP Laboratories, Molecular Genetics and Genomics, ARUP Laboratories
Classification: Likely benign. Last evaluated: 2024-12-27. Review status: criteria provided, single submitter. Criteria: ARUP Molecular Germline Variant Investigation Process 2024. Collection method: clinical testing. Allele origin: germline.

CeGaT Center for Human Genetics Tuebingen
Classification: Likely benign. Last evaluated: 2023-05-01. Review status: criteria provided, single submitter. Criteria: CeGaT Center For Human Genetics Tuebingen Variant Classification Criteria Version 2. Collection method: clinical testing. Allele origin: germline. Affected: yes. Observed: 1 variant allele.
Comment: HSPG2: BP4

Ambry Genetics
Classification: Likely benign for Inborn genetic diseases. Last evaluated: 2021-06-11. Review status: criteria provided, single submitter. Criteria: Ambry Variant Classification Scheme 2023. Collection method: clinical testing. Allele origin: germline.

Athena Diagnostics
Classification: Likely benign. Last evaluated: 2018-02-01. Review status: criteria provided, single submitter. Criteria: Athena Diagnostics Criteria. Collection method: clinical testing. Allele origin: germline.

Breakthrough Genomics
Classification: Likely benign. Review status: criteria provided, single submitter. Criteria: ACMG Guidelines, 2015. Collection method: not provided. Allele origin: germline. Inheritance: Autosomal recessive inheritance. Affected: yes.

PreventionGenetics, part of Exact Sciences
Classification: Likely benign for HSPG2-related condition. Last evaluated: 2020-05-11. Review status: no assertion criteria provided. Collection method: clinical testing. Allele origin: germline. Not counted in ClinVar's aggregate classification.
Comment: This variant is classified as likely benign based on ACMG/AMP sequence variant interpretation guidelines (Richards et al. 2015 PMID: 25741868, with internal and published modifications).